The following is an entry in ClinVar:

ClinVar aggregate classification (germline): Conflicting classifications of pathogenicity. Review status: criteria provided, conflicting classifications (1 of 4 stars). 3 submissions from 3 submitters: Likely pathogenic (2); Uncertain significance (1). Last evaluated 2026-05-01.

Conditions:
Hereditary cancer-predisposing syndrome. Also called: Tumor predisposition; Neoplastic Syndromes, Hereditary; Hereditary neoplastic syndrome; Hereditary Cancer Syndrome. Identifiers: Orphanet 140162, MedGen C0027672, MeSH D009386, MONDO:0015356.
Cowden syndrome 3 (CWS3). Identifiers: Orphanet 201, MedGen CN166604, MONDO:0014045.
Carney-Stratakis syndrome. Also called: PARAGANGLIOMA AND GASTROINTESTINAL STROMAL TUMOR. Identifiers: Orphanet 97286, MedGen C1847319, MONDO:0011740, OMIM 606864.
Pheochromocytoma. Also called: MAX-Related Hereditary Paraganglioma-Pheochromocytoma Syndrome. Identifiers: Orphanet 29072, MedGen C0031511, MONDO:0008233, OMIM 171300, HP:0002666.
Paragangliomas with sensorineural hearing loss. Identifiers: MedGen C1868633.

Submissions (3):

Ambry Genetics
Classification: Likely pathogenic for Hereditary cancer-predisposing syndrome. Last evaluated: 2026-05-01. Review status: criteria provided, single submitter. Criteria: Ambry Variant Classification Scheme 2023. Collection method: clinical testing. Allele origin: germline.
Comment: The p.R70T variant (also known as c.209G>C), located in coding exon 3 of the SDHD gene, results from a G to C substitution at nucleotide position 209. The arginine at codon 70 is replaced by threonine, an amino acid with similar properties. This variant was reported as heterozygous in individual(s) with features consistent with SDHD-related hereditary pheochromocytoma-paraganglioma (Burnichon N et al. J. Clin. Endocrinol. Metab. 2009 Aug;94:2817-27; Jim&eacute;nez CM et al. Endocrinol Diabetes Nutr. 2018 Nov;65:508-514; Ambry internal data). This amino acid position is highly conserved in available vertebrate species. In addition, this alteration is predicted to be deleterious by in silico analysis. This variant is considered to be rare based on population cohorts in the Genome Aggregation Database (gnomAD). Based on the majority of available evidence to date, this variant is likely to be pathogenic.

Labcorp Genetics (formerly Invitae), Labcorp
Classification: Uncertain significance for Carney-Stratakis syndrome; Paragangliomas with sensorineural hearing loss; Pheochromocytoma; Cowden syndrome 3. Last evaluated: 2023-02-25. Review status: criteria provided, single submitter. Criteria: Invitae Variant Classification Sherloc (09022015). Collection method: clinical testing. Allele origin: germline.
Comment: This missense change has been observed in individual(s) with clinical features of hereditary paraganglioma-pheochromocytoma syndrome (PMID: 19454582, 34906457). In summary, the available evidence is currently insufficient to determine the role of this variant in disease. Therefore, it has been classified as a Variant of Uncertain Significance. This variant disrupts the p.Arg70 amino acid residue in SDHD. Other variant(s) that disrupt this residue have been observed in individuals with SDHD-related conditions (PMID: 11391798, 19258401), which suggests that this may be a clinically significant amino acid residue. Advanced modeling of protein sequence and biophysical properties (such as structural, functional, and spatial information, amino acid conservation, physicochemical variation, residue mobility, and thermodynamic stability) has been performed at Invitae for this missense variant, however the output from this modeling did not meet the statistical confidence thresholds required to predict the impact of this variant on SDHD protein function. ClinVar contains an entry for this variant (Variation ID: 820714). This variant is not present in population databases (gnomAD no frequency). This sequence change replaces arginine, which is basic and polar, with threonine, which is neutral and polar, at codon 70 of the SDHD protein (p.Arg70Thr).

GeneDx
Classification: Likely pathogenic. Last evaluated: 2020-03-13. Review status: criteria provided, single submitter. Criteria: GeneDx Variant Classification Process June 2021. Collection method: clinical testing. Allele origin: germline. Affected: yes.
Comment: Not observed in large population cohorts (Lek 2016); In silico analysis supports that this missense variant has a deleterious effect on protein structure/function; This variant is associated with the following publications: (PMID: 30172768, 21844248, 22517557, 19454582, 25525159)

Literature cited by the submitters: PubMed 19454582 (cited by Ambry Genetics and Labcorp Genetics (formerly Invitae), Labcorp); PubMed 22517557 (cited by Ambry Genetics); PubMed 30172768 (cited by Ambry Genetics); PubMed 34906457 (cited by Labcorp Genetics (formerly Invitae), Labcorp); PubMed 11391798 (cited by Labcorp Genetics (formerly Invitae), Labcorp); PubMed 19258401 (cited by Labcorp Genetics (formerly Invitae), Labcorp).

NM_003002.4(SDHD):c.209G>C (p.Arg70Thr)

Gene: SDHD (succinate dehydrogenase complex subunit D; plus strand). Cytogenetic location: 11q23.1.
Variant type: single nucleotide variant.
Coding change: c.209G>C on transcript NM_003002.4 (MANE Select); coding-DNA position 209, G replaced by C.
Protein change: p.Arg70Thr; replaces arginine 70 with threonine.
Molecular consequence: missense variant. On other transcripts: non-coding transcript variant (1), intron variant (1).
Genome position (GRCh38, 1-based): chr11:112,088,906, G>C. VCF-style: chr11-112088906-G-C. GRCh37 (hg19) VCF-style: chr11-111959630-G-C.
Other names: c.92G>C, p.Arg31Thr (NM_001276504.2); c.209G>C, p.Arg70Thr (NM_001276506.2); c.169+933G>C (NM_001276503.2); short protein forms R70T, R31T.
Identifiers: ClinVar variation 820714 (VCV000820714.11), dbSNP rs755047928, ClinGen allele CA382617234.